The following is an entry in ClinVar:

ClinVar aggregate classification (germline): Likely benign (1 of 4 stars; one submission).

Allele frequency attached by ClinVar (database versions not stated): 1000 Genomes Project 30x 0.00031; ExAC 0.00068.

Submission:

CeGaT Center for Human Genetics Tuebingen
Classification: Likely benign. Last evaluated: 2025-01-01. Review status: criteria provided, single submitter. Criteria: CeGaT Center For Human Genetics Tuebingen Variant Classification Criteria Version 2. Collection method: clinical testing. Allele origin: germline. Affected: yes. Observed: 2 variant alleles.
Comment: UGT1A4: BP4, BP7

NM_007120.3(UGT1A4):c.699T>C (p.Ser233=)

Genes: UGT1A (UDP glucuronosyltransferase family 1 member A complex locus; plus strand), UGT1A10 (UDP glucuronosyltransferase family 1 member A10; plus strand), UGT1A4 (UDP glucuronosyltransferase family 1 member A4; plus strand), UGT1A5 (UDP glucuronosyltransferase family 1 member A5; plus strand), UGT1A6 (UDP glucuronosyltransferase family 1 member A6; plus strand) and 3 more. Cytogenetic location: 2q37.1.
Variant type: single nucleotide variant.
Coding change: c.699T>C on transcript NM_007120.3 (MANE Select); coding-DNA position 699, T replaced by C.
Protein change: p.Ser233=; no amino-acid change (serine 233 retained).
Molecular consequence: synonymous variant. On other transcripts: intron variant (7).
Genome position (GRCh38, 1-based): chr2:233,719,519, T>C. VCF-style: chr2-233719519-T-C. GRCh37 (hg19) VCF-style: chr2-234628165-T-C.
Other names: c.856-47515T>C (NM_019076.5, NM_019075.4); c.855+46730T>C (NM_021027.3); c.855+36727T>C (NM_019077.3); c.60+25654T>C (NM_205862.3); c.861+25654T>C (NM_001072.4); c.867+5661T>C (NM_019078.2).
Identifiers: ClinVar variation 2652021 (VCV002652021.24), dbSNP rs757746269, ClinGen allele CA2179068.